The following is an entry in ClinVar:

ClinVar aggregate classification (germline): Uncertain significance. Review status: criteria provided, multiple submitters, no conflicts (2 of 4 stars). 2 submissions from 2 submitters: Uncertain significance (2). Last evaluated 2026-04-13.

Conditions:
RP1L1-related disorder. Also called: RP1L1-related condition.
Inborn genetic diseases. Identifiers: MedGen C0950123, MeSH D030342.

gnomAD v4.1: 58 of 1,606,504 alleles (0.0036%); highest among the groups gnomAD compares: African/African-American, 0.043%; 1 homozygote.

Submissions (2):

PreventionGenetics, part of Exact Sciences
Classification: Uncertain significance for RP1L1-related condition. Last evaluated: 2026-04-13. Review status: criteria provided, single submitter. Criteria: ACMG Guidelines, 2015. Collection method: clinical testing. Allele origin: germline.
Comment: The RP1L1 c.4561G>A variant is predicted to result in the amino acid substitution p.Val1521Met. To our knowledge, this variant has not been reported in the literature. This variant is reported in 0.051% of alleles in individuals of African descent in gnomAD, which may be too frequent to be a primary cause of disease. Although we suspect that this variant may be benign, at this time, the clinical significance of this variant is uncertain due to the absence of conclusive functional and genetic evidence.

Ambry Genetics
Classification: Uncertain significance for Inborn genetic diseases. Last evaluated: 2025-08-03. Review status: criteria provided, single submitter. Criteria: Ambry Variant Classification Scheme 2023. Collection method: clinical testing. Allele origin: germline.

NM_178857.6(RP1L1):c.4561G>A (p.Val1521Met)

Gene: RP1L1 (RP1 like 1). Cytogenetic location: 8p23.1.
Variant type: single nucleotide variant.
Coding change: c.4561G>A on transcript NM_178857.6 (MANE Select); coding-DNA position 4561, G replaced by A.
Protein change: p.Val1521Met; replaces valine 1521 with methionine.
Molecular consequence: missense variant.
Genome position (GRCh38, 1-based): chr8:10,609,537, C>T on the plus strand (G>A on the coding strand, the complement: RP1L1 is on the minus strand). VCF-style: chr8-10609537-C-T. GRCh37 (hg19) VCF-style: chr8-10467047-C-T.
Other names: short protein forms V1521M.
Identifiers: ClinVar variation 4156231 (VCV004156231.2).
Genomic context (GRCh38, chr8:10,609,537, plus strand): 5'-GCTCAGCCACCGCACTGGCAAGGTGGGCCAGGAAGGCCTTCTCCGTCTTCTTCAGTAACA[C>T]GGACACCCAGATGGGGTCGCAGTCCAGAGCCGCGCTGCAGGCCACCGAAGAGCTCCTCTC-3'
Protein context (NP_849188.4, residues 1511-1531): ALDCDPIWVS[Val1521Met]LLKKTEKAFL